The following is an entry in ClinVar:

ClinVar aggregate classification (germline): Likely pathogenic (1 of 4 stars; one submission).

Conditions:
Imerslund-Grasbeck syndrome. Also called: ENTEROCYTE COBALAMIN MALABSORPTION; ENTEROCYTE INTRINSIC FACTOR RECEPTOR, DEFECT OF; PERNICIOUS ANEMIA, JUVENILE, DUE TO SELECTIVE INTESTINAL MALABSORPTION OF VITAMIN B12, WITH PROTEINURIA; Imerslund-Gräsbeck syndrome; Megaloblastic anemia due to inborn errors of metabolism. Identifiers: Orphanet 35858, MedGen C4551825, MONDO:0009853.

gnomAD v4.1: 1 of 1,476,530 alleles (0.000068%); highest among the groups gnomAD compares: Non-Finnish European, 0.000089%; no homozygotes.

Submission:

Labcorp Genetics (formerly Invitae), Labcorp
Classification: Likely pathogenic for Imerslund-Grasbeck syndrome. Last evaluated: 2023-04-13. Review status: criteria provided, single submitter. Criteria: Invitae Variant Classification Sherloc (09022015). Collection method: clinical testing. Allele origin: germline.
Comment: This sequence change affects a donor splice site in intron 6 of the AMN gene. It is expected to disrupt RNA splicing. Variants that disrupt the donor or acceptor splice site typically lead to a loss of protein function (PMID: 16199547), and loss-of-function variants in AMN are known to be pathogenic (PMID: 12590260, 22929189). This variant is not present in population databases (gnomAD no frequency). This variant has not been reported in the literature in individuals affected with AMN-related conditions. Algorithms developed to predict the effect of sequence changes on RNA splicing suggest that this variant may disrupt the consensus splice site. In summary, the currently available evidence indicates that the variant is pathogenic, but additional data are needed to prove that conclusively. Therefore, this variant has been classified as Likely Pathogenic.

Literature cited by the submitters: PubMed 16199547; PubMed 12590260; PubMed 22929189.

NM_030943.4(AMN):c.651+1G>T

Gene: AMN (amnion associated transmembrane protein; plus strand). Cytogenetic location: 14q32.32.
Variant type: single nucleotide variant.
Coding change: c.651+1G>T on transcript NM_030943.4 (MANE Select); the canonical splice donor site of the intron after coding-DNA position 651, G replaced by T.
Molecular consequence: splice donor variant.
Genome position (GRCh38, 1-based): chr14:102,929,259, G>T. VCF-style: chr14-102929259-G-T. GRCh37 (hg19) VCF-style: chr14-103395596-G-T.
Identifiers: ClinVar variation 2855804 (VCV002855804.3), dbSNP rs2542697169, ClinGen allele CA391081948.